The following is an entry in ClinVar:

ClinVar aggregate classification (germline): Conflicting classifications of pathogenicity. Review status: criteria provided, conflicting classifications (1 of 4 stars). 10 submissions from 10 submitters: Uncertain significance (1); Benign (1); Likely benign (7). 1 of the submissions does not count toward it. Last evaluated 2026-01-25.

Conditions:
MYLK-related disorder. Also called: MYLK-related condition.
Familial thoracic aortic aneurysm and aortic dissection (TAAD). Also called: Thoracic aortic aneurysms and dissections. Identifiers: Orphanet 91387, MedGen C4707243, MONDO:0019625.
Aortic aneurysm, familial thoracic 7 (AAT7). Also called: AORTIC DISSECTION, FAMILIAL, WITH OR WITHOUT AORTIC ANEURYSM. Identifiers: MedGen C3151077, MONDO:0013418, OMIM 613780.

Allele frequency attached by ClinVar (database versions not stated): 1000 Genomes Project 30x 0.00016; 1000 Genomes Project 0.00020; gnomAD 0.00041 and 0.00048; TOPMed 0.00041; ExAC 0.00045; ESP Exome Variant Server 0.00046; gnomAD exomes 0.00050 and 0.00078.
gnomAD v4.1: 1,223 of 1,614,174 alleles (0.076%); highest among the groups gnomAD compares: Middle Eastern, 0.2%; 4 homozygotes.

Submissions (10):

Labcorp Genetics (formerly Invitae), Labcorp
Classification: Likely benign for Aortic aneurysm, familial thoracic 7. Last evaluated: 2026-01-25. Review status: criteria provided, single submitter. Criteria: Invitae Variant Classification Sherloc (09022015). Collection method: clinical testing. Allele origin: germline.

CeGaT Center for Human Genetics Tuebingen
Classification: Likely benign. Last evaluated: 2026-01-01. Review status: criteria provided, single submitter. Criteria: CeGaT Center For Human Genetics Tuebingen Variant Classification Criteria Version 2. Collection method: clinical testing. Allele origin: germline. Affected: yes. Observed: 1 variant allele.
Comment: MYLK: BP4, BS2

ARUP Laboratories, Molecular Genetics and Genomics, ARUP Laboratories
Classification: Likely benign. Last evaluated: 2025-05-21. Review status: criteria provided, single submitter. Criteria: ARUP Molecular Germline Variant Investigation Process 2024. Collection method: clinical testing. Allele origin: germline.

Blueprint Genetics
Classification: Likely benign. Last evaluated: 2024-10-15. Review status: criteria provided, single submitter. Criteria: ACMG Guidelines, 2015. Collection method: clinical testing. Allele origin: germline.

Women's Health and Genetics/Laboratory Corporation of America, LabCorp
Classification: Likely benign. Last evaluated: 2022-06-06. Review status: criteria provided, single submitter. Criteria: LabCorp Variant Classification Summary - May 2015. Collection method: clinical testing. Allele origin: germline.
Comment: Variant summary: MYLK c.1991A>G (p.Gln664Arg) results in a conservative amino acid change located in the Immunoglobulin subtype 2 domain (IPR003598) of the encoded protein sequence. Four of five in-silico tools predict a benign effect of the variant on protein function. The variant allele was found at a frequency of 0.0005 in 251488 control chromosomes, predominantly at a frequency of 0.0017 within the South Asian subpopulation in the gnomAD database. The observed variant frequency within South Asian control individuals in the gnomAD database is approximately 680 fold of the estimated maximal expected allele frequency for a pathogenic variant in MYLK causing Aortopathy phenotype (2.5e-06), strongly suggesting that the variant is a benign polymorphism found primarily in populations of South Asian origin. c.1991A>G has been reported in the literature in individuals affected with Aortopathy (Wooderchak-Donahue_2015). This report however, does not provide unequivocal conclusions about association of the variant with Aortopathy. To our knowledge, no experimental evidence demonstrating an impact on protein function has been reported. Six other ClinVar submitters (evaluation after 2014) cite the variant as likely benign/benign (n=3) or uncertain significance (n=3). Based on the evidence outlined above, the variant was classified as likely benign.

Ambry Genetics
Classification: Likely benign for Familial thoracic aortic aneurysm and aortic dissection. Last evaluated: 2021-10-12. Review status: criteria provided, single submitter. Criteria: Ambry Variant Classification Scheme 2023. Collection method: clinical testing. Allele origin: germline.

CHEO Genetics Diagnostic Laboratory, Children's Hospital of Eastern Ontario
Classification: Benign for Familial thoracic aortic aneurysm and aortic dissection. Last evaluated: 2021-06-23. Review status: criteria provided, single submitter. Criteria: ACMG Guidelines, 2015. Collection method: clinical testing. Allele origin: germline. Study: Canadian Open Genetics Repository.

GeneDx
Classification: Likely benign. Last evaluated: 2021-04-26. Review status: criteria provided, single submitter. Criteria: GeneDx Variant Classification Process June 2021. Collection method: clinical testing. Allele origin: germline. Affected: yes.
Comment: This variant is associated with the following publications: (PMID: 25944730)

Laboratory for Molecular Medicine, Mass General Brigham Personalized Medicine
Classification: Uncertain significance. Last evaluated: 2015-04-09. Review status: criteria provided, single submitter. Criteria: LMM Criteria. Collection method: clinical testing. Allele origin: germline. Observed: 1 variant allele.
Comment: Variant classified as Uncertain Significance - Favor Benign. The p.Gln664Arg var iant in MYLK has not been previously reported in individuals with connective tis sue disorder, but it has been identified in 0.15% (25/16508) of South Asian chro mosomes and 0.03% (23/66702) of European chromosomes by the Exome Aggregation Co nsortium (ExAC; dbSNP rs200273207). Computationa l prediction tools and conservation analysis do not provide strong support for o r against an impact to the protein. In summary, while the clinical significance of the p.Gln664Arg variant is uncertain, its frequency suggests that it is more likely to be benign.

PreventionGenetics, part of Exact Sciences
Classification: Likely benign for MYLK-related condition. Last evaluated: 2023-08-09. Review status: no assertion criteria provided. Collection method: clinical testing. Allele origin: germline. Not counted in ClinVar's aggregate classification.
Comment: This variant is classified as likely benign based on ACMG/AMP sequence variant interpretation guidelines (Richards et al. 2015 PMID: 25741868, with internal and published modifications).

Literature cited by the submitters: PubMed 25944730 (cited by Women's Health and Genetics/Laboratory Corporation of America, LabCorp and Ambry Genetics); PubMed 29269699 (cited by Women's Health and Genetics/Laboratory Corporation of America, LabCorp).

NM_053025.4(MYLK):c.1991A>G (p.Gln664Arg)

Gene: MYLK (myosin light chain kinase; minus strand). Cytogenetic location: 3q21.1.
Variant type: single nucleotide variant.
Coding change: c.1991A>G on transcript NM_053025.4 (MANE Select); coding-DNA position 1991, A replaced by G.
Protein change: p.Gln664Arg; replaces glutamine 664 with arginine.
Molecular consequence: missense variant.
Genome position (GRCh38, 1-based): chr3:123,708,847, T>C on the plus strand (A>G on the coding strand, the complement: MYLK is on the minus strand). VCF-style: chr3-123708847-T-C. GRCh37 (hg19) VCF-style: chr3-123427694-T-C.
Other names: c.1463A>G, p.Gln488Arg (NM_001321309.2); c.1784A>G, p.Gln595Arg (NM_053026.4, NM_053028.4); c.1991A>G, p.Gln664Arg (NM_053027.4); short protein forms Q664R, Q595R, Q488R.
Identifiers: ClinVar variation 228937 (VCV000228937.42), dbSNP rs200273207, ClinGen allele CA067923.